The following is an entry in ClinVar:

NM_001099287.2(NIPAL4):c.451A>G (p.Arg151Gly)

Gene: NIPAL4 (NIPA like domain containing 4; plus strand). Cytogenetic location: 5q33.3.
Variant type: single nucleotide variant.
Coding change: c.451A>G on transcript NM_001099287.2 (MANE Select); coding-DNA position 451, A replaced by G.
Protein change: p.Arg151Gly; replaces arginine 151 with glycine.
Molecular consequence: missense variant.
Genome position (GRCh38, 1-based): chr5:157,471,682, A>G. VCF-style: chr5-157471682-A-G. GRCh37 (hg19) VCF-style: chr5-156898690-A-G.
Other names: c.394A>G, p.Arg132Gly (NM_001172292.2); short protein forms R213G, R194G, R151G, R132G.
Identifiers: ClinVar variation 257436 (VCV000257436.22), dbSNP rs6860507, ClinGen allele CA3534658.

ClinVar aggregate classification (germline): Benign. Review status: criteria provided, multiple submitters, no conflicts (2 of 4 stars). 7 submissions from 7 submitters: Benign (5). 2 of the submissions do not count toward it. Last evaluated 2026-02-04.

Conditions:
Autosomal recessive congenital ichthyosis 6 (ARCI6). Identifiers: Orphanet 313, Orphanet 79394, MedGen C2677065, MONDO:0012847, OMIM 612281.

Allele frequency attached by ClinVar (database versions not stated): ESP Exome Variant Server 0.44935; gnomAD 0.47353 and 0.47521; TOPMed 0.47094; ExAC 0.53466; gnomAD exomes 0.47913 and 0.49625; 1000 Genomes Project 0.50459; 1000 Genomes Project 30x 0.50344.
gnomAD v4.1: 768,916 of 1,605,988 alleles (48%); highest among the groups gnomAD compares: East Asian, 70%; 186,372 homozygotes.

Submissions (7):

Labcorp Genetics (formerly Invitae), Labcorp
Classification: Benign. Last evaluated: 2026-02-04. Review status: criteria provided, single submitter. Criteria: Invitae Variant Classification Sherloc (09022015). Collection method: clinical testing. Allele origin: germline.

Genome-Nilou Lab
Classification: Benign for Autosomal recessive congenital ichthyosis 6. Last evaluated: 2021-09-05. Review status: criteria provided, single submitter. Criteria: ACMG Guidelines, 2015. Collection method: clinical testing. Allele origin: germline. Affected: no.

Illumina Laboratory Services, Illumina
Classification: Benign for Autosomal recessive congenital ichthyosis 6. Last evaluated: 2018-01-13. Review status: criteria provided, single submitter. Criteria: ICSL Variant Classification Criteria 13 December 2019. Collection method: clinical testing. Allele origin: germline.
Comment: This variant was observed in the ICSL laboratory as part of a predisposition screen in an ostensibly healthy population. It had not been previously curated by ICSL or reported in the Human Gene Mutation Database (HGMD: prior to June 1st, 2018), and was therefore a candidate for classification through an automated scoring system. Utilizing variant allele frequency, disease prevalence and penetrance estimates, and inheritance mode, an automated score was calculated to assess if this variant is too frequent to cause the disease. Based on the score and internal cut-off values, a variant classified as benign is not then subjected to further curation. The score for this variant resulted in a classification of benign for this disease.

GeneDx
Classification: Benign. Last evaluated: 2015-03-03. Review status: criteria provided, single submitter. Criteria: GeneDx Variant Classification Process June 2021. Collection method: clinical testing. Allele origin: germline. Affected: yes.

PreventionGenetics, part of Exact Sciences
Classification: Benign. Review status: criteria provided, single submitter. Criteria: ACMG Guidelines, 2015. Collection method: clinical testing. Allele origin: germline.

Diagnostic Laboratory, Department of Genetics, University Medical Center Groningen
Classification: Benign. Review status: no assertion criteria provided. Collection method: clinical testing. Allele origin: germline. Affected: yes. Study: VKGL Data-share Consensus. Not counted in ClinVar's aggregate classification.

Joint Genome Diagnostic Labs from Nijmegen and Maastricht, Radboudumc and MUMC+
Classification: Benign. Review status: no assertion criteria provided. Collection method: clinical testing. Allele origin: germline. Affected: yes. Study: VKGL Data-share Consensus. Not counted in ClinVar's aggregate classification.